The following is an entry in ClinVar:

NM_001164277.2(SLC37A4):c.742C>T (p.Gln248Ter)

Gene: SLC37A4 (solute carrier family 37 member 4; minus strand). Cytogenetic location: 11q23.3.
Variant type: single nucleotide variant.
Coding change: c.742C>T on transcript NM_001164277.2 (MANE Select); coding-DNA position 742, C replaced by T.
Protein change: p.Gln248Ter; replaces glutamine 248 with a stop codon.
Molecular consequence: nonsense.
Genome position (GRCh38, 1-based): chr11:119,026,979, G>A on the plus strand (C>T on the coding strand, the complement: SLC37A4 is on the minus strand). VCF-style: chr11-119026979-G-A. GRCh37 (hg19) VCF-style: chr11-118897689-G-A.
Other names: c.742C>T, p.Gln248Ter (NM_001164278.2, NM_001164280.2, NM_001467.6); c.523C>T, p.Gln175Ter (NM_001164279.2); short protein forms Q248*, Q175*.
Identifiers: ClinVar variation 188762 (VCV000188762.18), dbSNP rs781784543, ClinGen allele CA273924.

ClinVar aggregate classification (germline): Pathogenic. Review status: criteria provided, multiple submitters, no conflicts (2 of 4 stars). 9 submissions from 9 submitters: Pathogenic (8). 1 of the submissions does not count toward it. Last evaluated 2025-09-10.

Conditions:
Glucose-6-phosphate transport defect (GSD1B). Also called: Glycogen Storage Disease Type Ib; GSD Ib. Identifiers: Orphanet 364, Orphanet 79259, MedGen C0268146, MONDO:0009288, OMIM 232220.

Allele frequency attached by ClinVar (database versions not stated): gnomAD exomes 0.00002; TOPMed below 0.00001; ExAC 0.00002.

Submissions (9):

Labcorp Genetics (formerly Invitae), Labcorp
Classification: Pathogenic for Glucose-6-phosphate transport defect. Last evaluated: 2025-09-10. Review status: criteria provided, single submitter. Criteria: Invitae Variant Classification Sherloc (09022015). Collection method: clinical testing. Allele origin: germline.
Comment: This sequence change creates a premature translational stop signal (p.Gln248*) in the SLC37A4 gene. It is expected to result in an absent or disrupted protein product. Loss-of-function variants in SLC37A4 are known to be pathogenic (PMID: 9758626, 10940311). This variant is present in population databases (rs781784543, gnomAD 0.009%). This premature translational stop signal has been observed in individuals with glycogen storage disease type Ib (PMID: 9758626, 10026167, 18437526). ClinVar contains an entry for this variant (Variation ID: 188762). For these reasons, this variant has been classified as Pathogenic.

Natera, Inc.
Classification: Pathogenic for Glycogen storage disease type Ib. Last evaluated: 2025-09-07. Review status: criteria provided, single submitter. Criteria: Natera Variant Classification Schema (03/2026). Collection method: clinical testing. Allele origin: germline.
Comment: The c.742C>T variant in SLC37A4 is a nonsense variant predicted to introduce a stop codon at amino acid 248. This variant is expected to result in nonsense mediated decay, truncation, or a dysfunctional protein product. This variant is rare in the general population with a frequency below the threshold expected for the associated phenotype(s). This variant has been observed in one or more individuals affected with the associated recessive disease, as either homozygous or compound heterozygous with a second variant (PMID: 34215305). Given the available evidence, this variant is classified as Pathogenic.

Dasa
Classification: Pathogenic. Last evaluated: 2025-07-30. Review status: criteria provided, single submitter. Criteria: DASA Assertion Criteria. Collection method: clinical testing. Allele origin: germline.
Comment: NM_001164277.2(SLC37A4):c.742C>T (p.Gln248*) introduces a premature termination codon predicted to result in loss of normal protein function. Loss-of-function is an established mechanism of disease for this gene. This variant has been observed in affected individuals with related phenotype in a genotype context consistent with recessive disease (PMID: 24565827; PMID: 15906092; PMID: 9758626; PMID: 12373566). This variant has been recurrently observed in individuals with related phenotype (PMID: 24565827; PMID: 15906092; PMID: 9758626; PMID: 12373566). Segregation evidence has been reported in affected families. The variant is present at low frequency in population datasets. Based on the available data, this variant is classified as pathogenic.

Baylor Genetics
Classification: Pathogenic for Glucose-6-phosphate transport defect. Last evaluated: 2024-02-28. Review status: criteria provided, single submitter. Criteria: ACMG Guidelines, 2015. Collection method: clinical testing. Allele origin: unknown.

Greenwood Genetic Center Diagnostic Laboratories, Greenwood Genetic Center
Classification: Pathogenic for Glucose-6-phosphate transport defect. Last evaluated: 2023-07-05. Review status: criteria provided, single submitter. Criteria: ACMG Guidelines, 2015. Collection method: clinical testing. Allele origin: germline. Affected: yes.
Comment: PVS1, PM2, PM3

Revvity Omics, Revvity
Classification: Pathogenic. Last evaluated: 2023-03-09. Review status: criteria provided, single submitter. Criteria: ACMG Guidelines, 2015. Collection method: clinical testing. Allele origin: germline.

GeneDx
Classification: Pathogenic. Last evaluated: 2018-07-20. Review status: criteria provided, single submitter. Criteria: GeneDx Variant Classification (06012015). Collection method: clinical testing. Allele origin: germline. Affected: yes.
Comment: The Q248X pathogenic variant in the SLC37A4 gene has been reported previously in association with glycogen storage disease type 1b when present in the homozygous state or when in trans with another pathogenic variant (Veiga-da-Cunha et al., 1998; Melis et al., 2005; Jun et al., 2014). This variant is predicted to cause loss of normal protein function either through protein truncation or nonsense-mediated mRNA decay. The Q248X variant was not observed in approximately 6,100 individuals of European and African American ancestry in the NHLBI Exome Sequencing Project, indicating it is not a common benign variant in these populations. We interpret Q248X as a pathogenic variant.

Women's Health and Genetics/Laboratory Corporation of America, LabCorp
Classification: Pathogenic for Glucose-6-phosphate transport defect. Last evaluated: 2016-07-28. Review status: criteria provided, single submitter. Criteria: LabCorp Variant Classification Summary - May 2015. Collection method: clinical testing. Allele origin: germline.
Comment: Variant summary: The SLC37A4 c.742C>T (p.Gln248X) variant results in a premature termination codon, predicted to cause a truncated or absent SLC37A4 protein due to nonsense mediated decay, which are commonly known mechanisms for disease. This variant was found in 2/118148 control chromosomes at a frequency of 0.0000169, which does not exceed the estimated maximal expected allele frequency of a pathogenic SLC37A4 variant (0.0012247). This variant has been reported in multiple GSD type 1b patients both homozygously and heterozygously. In addition, one clinical diagnostic laboratory classified this variant as likely pathogenic, without evidence to independently evaluate. Taken together, this variant is classified as pathogenic.

Counsyl
Classification: Likely pathogenic for Glucose-6-phosphate transport defect. Last evaluated: 2014-04-21. Review status: no assertion criteria provided. Collection method: literature only. Allele origin: unknown. Inheritance: Autosomal recessive inheritance. Not counted in ClinVar's aggregate classification.

Literature cited by the submitters: PubMed 9758626 (cited by 4 submitters); PubMed 10940311 (cited by Labcorp Genetics (formerly Invitae), Labcorp); PubMed 10026167 (cited by 3 submitters); PubMed 18437526 (cited by Labcorp Genetics (formerly Invitae), Labcorp and Counsyl); PubMed 34215305 (cited by Natera, Inc.); PubMed 24565827 (cited by 3 submitters); PubMed 15906092 (cited by Dasa and Counsyl); PubMed 12373566 (cited by Dasa and Counsyl).